The following is an entry in ClinVar:

NM_020706.2(SCAF4):c.746C>T (p.Pro249Leu)

Gene: SCAF4 (SR-related CTD associated factor 4; minus strand). Cytogenetic location: 21q22.11.
Variant type: single nucleotide variant.
Coding change: c.746C>T on transcript NM_020706.2 (MANE Select); coding-DNA position 746, C replaced by T.
Protein change: p.Pro249Leu; replaces proline 249 with leucine.
Molecular consequence: missense variant.
Genome position (GRCh38, 1-based): chr21:31,701,026, G>A on the plus strand (C>T on the coding strand, the complement: SCAF4 is on the minus strand). VCF-style: chr21-31701026-G-A. GRCh37 (hg19) VCF-style: chr21-33073339-G-A.
Other names: c.701C>T, p.Pro234Leu (NM_001145444.1); c.746C>T, p.Pro249Leu (NM_001145445.1); short protein forms P234L, P249L.
Identifiers: ClinVar variation 3898698 (VCV003898698.7).

ClinVar aggregate classification (germline): Uncertain significance (1 of 4 stars; one submission).

gnomAD v4.1: 1 of 1,614,080 alleles (0.000062%); highest among the groups gnomAD compares: Non-Finnish European, 0.000085%; no homozygotes.

Submission:

CeGaT Center for Human Genetics Tuebingen
Classification: Uncertain significance. Last evaluated: 2025-04-01. Review status: criteria provided, single submitter. Criteria: CeGaT Center For Human Genetics Tuebingen Variant Classification Criteria Version 2. Collection method: clinical testing. Allele origin: germline. Affected: yes. Observed: 1 variant allele.
Comment: SCAF4: PM2, BP4